The following is an entry in ClinVar:

ClinVar aggregate classification (germline): Uncertain significance (1 of 4 stars; one submission).

Conditions:
Alstrom syndrome (ALMS). Identifiers: Orphanet 64, MedGen C0268425, MONDO:0008763, OMIM 203800.

Allele frequency attached by ClinVar (database versions not stated): ExAC 0.00002.

Submission:

Labcorp Genetics (formerly Invitae), Labcorp
Classification: Uncertain significance for Alstrom syndrome. Last evaluated: 2025-01-01. Review status: criteria provided, single submitter. Criteria: Invitae Variant Classification Sherloc (09022015). Collection method: clinical testing. Allele origin: germline.
Comment: This sequence change replaces threonine, which is neutral and polar, with isoleucine, which is neutral and non-polar, at codon 1424 of the ALMS1 protein (p.Thr1424Ile). The frequency data for this variant in the population databases is considered unreliable, as metrics indicate poor data quality at this position in the gnomAD database. This variant has not been reported in the literature in individuals affected with ALMS1-related conditions. ClinVar contains an entry for this variant (Variation ID: 2732449). Experimental studies and prediction algorithms are not available or were not evaluated, and the functional significance of this variant is currently unknown. In summary, the available evidence is currently insufficient to determine the role of this variant in disease. Therefore, it has been classified as a Variant of Uncertain Significance.

NM_001378454.1(ALMS1):c.4268C>T (p.Thr1423Ile)

Gene: ALMS1 (ALMS1 centrosome and basal body associated protein; plus strand). Cytogenetic location: 2p13.1.
Variant type: single nucleotide variant.
Coding change: c.4268C>T on transcript NM_001378454.1 (MANE Select); coding-DNA position 4268, C replaced by T.
Protein change: p.Thr1423Ile; replaces threonine 1423 with isoleucine.
Molecular consequence: missense variant.
Genome position (GRCh38, 1-based): chr2:73,450,795, C>T. VCF-style: chr2-73450795-C-T. GRCh37 (hg19) VCF-style: chr2-73677922-C-T.
Other names: c.4271C>T, p.Thr1424Ile (NM_015120.4); short protein forms T1424I, T1423I.
Identifiers: ClinVar variation 2732449 (VCV002732449.2), dbSNP rs769983998, ClinGen allele CA1713675.
Genomic context (GRCh38, chr2:73,450,795, plus strand): 5'-AAGAGGCTAAGAACGTTTCAGCGGTTCCTGGACCAGGTGACCGGAAGACTGGGATACCAA[C>T]TTTACCCTCTACTTTCTACTCACACACAGAGAAGCCTGGTAGTTTCTACCAACAGGTCTT-3'
Protein context (NP_001365383.1, residues 1413-1433): GPGDRKTGIP[Thr1423Ile]LPSTFYSHTE